The following is an entry in ClinVar:

ClinVar aggregate classification (germline): Uncertain significance (1 of 4 stars; one submission).

Conditions:
Gaucher disease type I (GD1). Also called: Type 1 Gaucher Disease; Gaucher's disease, type 1; ACID BETA-GLUCOSIDASE DEFICIENCY; GAUCHER DISEASE, NONCEREBRAL JUVENILE; GBA DEFICIENCY; GD I. Identifiers: Orphanet 355, Orphanet 77259, MedGen C1961835, MONDO:0009265, OMIM 230800.

gnomAD v4.1: 16 of 1,614,028 alleles (0.00099%); highest among the groups gnomAD compares: East Asian, 0.0022%; no homozygotes.

Submission:

Victorian Clinical Genetics Services, Murdoch Childrens Research Institute
Classification: Uncertain significance for Gaucher disease type I. Last evaluated: 2024-10-11. Review status: criteria provided, single submitter. Criteria: ACMG Guidelines, 2015. Collection method: clinical testing. Allele origin: germline. Inheritance: Autosomal recessive inheritance. Affected: no.
Comment: Based on the classification scheme VCGS_Germline_v1.3.5, this variant is classified as VUS-3C. Following criteria are met: 0102 - Loss of function is a known mechanism of disease in this gene and is associated with Gaucher disease (MIM# 230800, 230900, 231000, 231005, 608013). (I) 0106 - This gene is associated with autosomal recessive disease. The different types of Gaucher disease are considered to fall within a spectrum, rather than distinct conditions, and are determined by age of disease onset and the presence and severity of neurologic function. Specific counselling about individual case prognosis is hindered by a significant overlap in the clinical features of individuals with various genotypes (OMIM, PMID: 20301446). (I) 0115 - Variants in this gene are known to have variable expressivity. Gaucher disease is associated with marked clinical variability, even within the same family (PMID: 31010158). (I) 0200 - Variant is predicted to result in a missense amino acid change from methionine to valine. (I) 0251 - This variant is heterozygous. (I) 0304 - Variant is present in gnomAD (v4) <0.01 for a recessive condition (16 heterozygotes, 0 homozygotes. (SP) 0309 - Multiple alternative amino acid changes at the same position have been observed in gnomAD (highest allele count v4; 2 heterozygotes, 0 homozygotes). (I) 0503 - Missense variant consistently predicted to be tolerated by multiple in silico tools or not conserved in placental mammals with a minor amino acid change. (SB) 0600 - Variant is located in the annotated glycosyl hydrolase family 30 TIM-barrel domain (DECIPHER). (I) 0705 - No comparable missense variants have previous evidence for pathogenicity. (I) 0809 - Previous evidence of pathogenicity for this variant is inconclusive. This variant has been observed as compound heterozygous with the known hypomorphic variant p.(Asn409Ser) in one asymptomatic individual who had reduced GCase activity in leucocytes (PMID: 34073924). (I) 0905 - No published segregation evidence has been identified for this variant. (I) 1002 - This variant has moderate functional evidence supporting abnormal protein function. When transfected into HEK293 cells this variant was show to have only 20% of GCase activity compared to wild type (PMID: 34073924). (SP) 1201 - Heterozygous variant detected in trans with a second pathogenic heterozygous variant (NM_000157.3:c.1226A>G; p.(Asn409Ser)) in a recessive disease. (I) Legend: (SP) - Supporting pathogenic, (I) - Information, (SB) - Supporting benign

Literature cited by the submitters: PubMed 20301446; PubMed 31010158; PubMed 34073924.

NM_000157.4(GBA1):c.370A>G (p.Met124Val)

Genes: GBA1 (glucosylceramidase beta 1; minus strand), LOC106627981 (GBA recombination region; plus strand). Cytogenetic location: 1q22.
Variant type: single nucleotide variant.
Coding change: c.370A>G on transcript NM_000157.4 (MANE Select); coding-DNA position 370, A replaced by G.
Protein change: p.Met124Val; replaces methionine 124 with valine.
Molecular consequence: missense variant. On other transcripts: intron variant (1).
Genome position (GRCh38, 1-based): chr1:155,239,700, T>C on the plus strand (A>G on the coding strand, the complement: GBA1 is on the minus strand). VCF-style: chr1-155239700-T-C. GRCh37 (hg19) VCF-style: chr1-155209491-T-C.
Other names: c.370A>G, p.Met124Val (NM_001005741.3, NM_001005742.3); c.109A>G, p.Met37Val (NM_001171811.2); c.307+186A>G (NM_001171812.2); short protein forms M124V, M37V.
Identifiers: ClinVar variation 3376993 (VCV003376993.1).